The following is an entry in ClinVar:

ClinVar aggregate classification (germline): Pathogenic (1 of 4 stars; one submission).

Allele frequency attached by ClinVar (database versions not stated): gnomAD 0.00001.

Submission:

Labcorp Genetics (formerly Invitae), Labcorp
Classification: Pathogenic. Last evaluated: 2023-03-20. Review status: criteria provided, single submitter. Criteria: Invitae Variant Classification Sherloc (09022015). Collection method: clinical testing. Allele origin: germline.
Comment: For these reasons, this variant has been classified as Pathogenic. This variant has not been reported in the literature in individuals affected with FRAS1-related conditions. This variant is present in population databases (no rsID available, gnomAD 0.06%). This sequence change creates a premature translational stop signal (p.Ser3256Cysfs*77) in the FRAS1 gene. It is expected to result in an absent or disrupted protein product. Loss-of-function variants in FRAS1 are known to be pathogenic (PMID: 12766769, 18671281).

Literature cited by the submitters: PubMed 12766769; PubMed 18671281.

NM_025074.7(FRAS1):c.9765_9766del (p.Ser3256fs)

Gene: FRAS1 (Fraser extracellular matrix complex subunit 1; plus strand). Cytogenetic location: 4q21.21.
Variant type: Deletion.
Coding change: c.9765_9766del on transcript NM_025074.7 (MANE Select); coding-DNA positions 9765 to 9766, 2 bases deleted (CA; older notation c.9765_9766delCA).
Protein change: p.Ser3256fs; shifts the reading frame from serine 3256.
Molecular consequence: frameshift variant.
Genome position (GRCh38, 1-based): chr4:78,508,991-78,508,992, CA deleted. VCF-style (leftmost placement, unchanged base first): chr4-78508990-CCA-C. GRCh37 (hg19) VCF-style: chr4-79430144-CCA-C.
Other names: short protein forms S3256fs.
Identifiers: ClinVar variation 2847654 (VCV002847654.3), dbSNP rs1394411524, ClinGen allele CA552765336.